The following is an entry in ClinVar:

NM_016239.4(MYO15A):c.2509G>A (p.Gly837Ser)

Gene: MYO15A (myosin XVA; plus strand). Cytogenetic location: 17p11.2.
Variant type: single nucleotide variant.
Coding change: c.2509G>A on transcript NM_016239.4 (MANE Select); coding-DNA position 2509, G replaced by A.
Protein change: p.Gly837Ser; replaces glycine 837 with serine.
Molecular consequence: missense variant.
Genome position (GRCh38, 1-based): chr17:18,121,309, G>A. VCF-style: chr17-18121309-G-A. GRCh37 (hg19) VCF-style: chr17-18024623-G-A.
Other names: short protein forms G837S.
Identifiers: ClinVar variation 1391973 (VCV001391973.5), dbSNP rs1240128780, ClinGen allele CA398584377.

ClinVar aggregate classification (germline): Uncertain significance (1 of 4 stars; one submission).

gnomAD v4.1: 14 of 1,327,946 alleles (0.0011%); highest among the groups gnomAD compares: Admixed American, 0.029%; no homozygotes.

Submission:

Labcorp Genetics (formerly Invitae), Labcorp
Classification: Uncertain significance. Last evaluated: 2021-09-01. Review status: criteria provided, single submitter. Criteria: Invitae Variant Classification Sherloc (09022015). Collection method: clinical testing. Allele origin: germline.
Comment: This sequence change replaces glycine with serine at codon 837 of the MYO15A protein (p.Gly837Ser). The glycine residue is weakly conserved and there is a small physicochemical difference between glycine and serine. The frequency data for this variant in the population databases is considered unreliable, as metrics indicate insufficient coverage at this position in the ExAC database. This variant has not been reported in the literature in individuals affected with MYO15A-related conditions. Advanced modeling of protein sequence and biophysical properties (such as structural, functional, and spatial information, amino acid conservation, physicochemical variation, residue mobility, and thermodynamic stability) performed at Invitae indicates that this missense variant is not expected to disrupt MYO15A protein function. Algorithms developed to predict the effect of sequence changes on RNA splicing suggest that this variant may create or strengthen a splice site. In summary, the available evidence is currently insufficient to determine the role of this variant in disease. Therefore, it has been classified as a Variant of Uncertain Significance.